The following is an entry in ClinVar:

ClinVar aggregate classification (germline): Uncertain significance. Review status: criteria provided, multiple submitters, no conflicts (2 of 4 stars). 3 submissions from 3 submitters: Uncertain significance (3). Last evaluated 2024-12-03.

Conditions:
SIN3A-related intellectual disability syndrome due to a point mutation. Also called: 15q24 Microdeletion Syndrome; WITTEVEEN-KOLK SYNDROME. Identifiers: Orphanet 500166, Orphanet 94065, MedGen C4310804, MONDO:0044700, OMIM 613406.

Allele frequency attached by ClinVar (database versions not stated): gnomAD 0.00004; ESP Exome Variant Server 0.00008.

Submissions (3):

Labcorp Genetics (formerly Invitae), Labcorp
Classification: Uncertain significance. Last evaluated: 2024-12-03. Review status: criteria provided, single submitter. Criteria: Invitae Variant Classification Sherloc (09022015). Collection method: clinical testing. Allele origin: germline.
Comment: This sequence change replaces proline, which is neutral and non-polar, with leucine, which is neutral and non-polar, at codon 417 of the SIN3A protein (p.Pro417Leu). This variant is present in population databases (rs376704049, gnomAD 0.02%). This variant has not been reported in the literature in individuals affected with SIN3A-related conditions. ClinVar contains an entry for this variant (Variation ID: 2175766). An algorithm developed to predict the effect of missense changes on protein structure and function (PolyPhen-2) suggests that this variant is likely to be tolerated. In summary, the available evidence is currently insufficient to determine the role of this variant in disease. Therefore, it has been classified as a Variant of Uncertain Significance.

Pittsburgh Clinical Genomics Laboratory, University of Pittsburgh Medical Center
Classification: Uncertain significance for SIN3A-related intellectual disability syndrome due to a point mutation. Last evaluated: 2024-03-25. Review status: criteria provided, single submitter. Criteria: ACMG Guidelines, 2015. Collection method: clinical testing. Allele origin: germline. Inheritance: Autosomal dominant inheritance. Affected: yes.
Comment: This sequence variant is a single nucleotide substitution (C>T) at position 1250 of the coding sequence of the SIN3A gene that results in a proline to leucine amino acid change at residue 417 of the SIN3 transcription regulator family member A protein. This is a previously reported variant (ClinVar 2175766) that has not been observed in an individual with a SIN3A-related disorder in the published literature, to our knowledge. This variant is present in 52 of 1613796 alleles (0.0032%) in the gnomAD v4.0.0 population dataset. Multiple bioinformatic tools predict that this amino acid change would be neutral, and the Pro417 residue at this position is well conserved across the vertebrate species examined. Studies examining the functional consequence of this variant have not been published, to our knowledge. At this time, there is insufficient evidence to determine if this variant is pathogenic or benign. Therefore, we consider this a variant of uncertain significance. ACMG Criteria: BP4, PM2

Revvity Omics, Revvity
Classification: Uncertain significance for SIN3A-related intellectual disability syndrome due to a point mutation. Last evaluated: 2019-07-24. Review status: criteria provided, single submitter. Criteria: ACMG Guidelines, 2015. Collection method: clinical testing. Allele origin: germline.

NM_001145358.2(SIN3A):c.1250C>T (p.Pro417Leu)

Gene: SIN3A (SIN3 transcription regulator family member A; minus strand). Cytogenetic location: 15q24.2.
Variant type: single nucleotide variant.
Coding change: c.1250C>T on transcript NM_001145358.2 (MANE Select); coding-DNA position 1250, C replaced by T.
Protein change: p.Pro417Leu; replaces proline 417 with leucine.
Molecular consequence: missense variant.
Genome position (GRCh38, 1-based): chr15:75,409,903, G>A on the plus strand (C>T on the coding strand, the complement: SIN3A is on the minus strand). VCF-style: chr15-75409903-G-A. GRCh37 (hg19) VCF-style: chr15-75702244-G-A.
Other names: c.1250C>T (NM_001145358.1); c.1250C>T, p.Pro417Leu (NM_001145357.2, NM_015477.3); short protein forms P417L.
Identifiers: ClinVar variation 2175766 (VCV002175766.8), dbSNP rs376704049, ClinGen allele CA7667704.